The following is an entry in ClinVar:

ClinVar aggregate classification (germline): Uncertain significance (1 of 4 stars; one submission).

Submission:

Labcorp Genetics (formerly Invitae), Labcorp
Classification: Uncertain significance. Last evaluated: 2024-10-10. Review status: criteria provided, single submitter. Criteria: Invitae Variant Classification Sherloc (09022015). Collection method: clinical testing. Allele origin: germline.
Comment: This sequence change replaces alanine, which is neutral and non-polar, with threonine, which is neutral and polar, at codon 716 of the IGF1R protein (p.Ala716Thr). This variant is not present in population databases (gnomAD no frequency). This variant has not been reported in the literature in individuals affected with IGF1R-related conditions. Invitae Evidence Modeling of protein sequence and biophysical properties (such as structural, functional, and spatial information, amino acid conservation, physicochemical variation, residue mobility, and thermodynamic stability) indicates that this missense variant is not expected to disrupt IGF1R protein function with a negative predictive value of 80%. In summary, the available evidence is currently insufficient to determine the role of this variant in disease. Therefore, it has been classified as a Variant of Uncertain Significance.

NM_000875.5(IGF1R):c.2146G>A (p.Ala716Thr)

Gene: IGF1R (insulin like growth factor 1 receptor; plus strand). Cytogenetic location: 15q26.3.
Variant type: single nucleotide variant.
Coding change: c.2146G>A on transcript NM_000875.5 (MANE Select); coding-DNA position 2146, G replaced by A.
Protein change: p.Ala716Thr; replaces alanine 716 with threonine.
Molecular consequence: missense variant.
Genome position (GRCh38, 1-based): chr15:98,916,821, G>A. VCF-style: chr15-98916821-G-A. GRCh37 (hg19) VCF-style: chr15-99460050-G-A.
Other names: c.2146G>A, p.Ala716Thr (NM_001291858.2); short protein forms A716T.
Identifiers: ClinVar variation 3666555 (VCV003666555.2).